The following is an entry in ClinVar:

ClinVar aggregate classification (germline): Uncertain significance. Review status: criteria provided, multiple submitters, no conflicts (2 of 4 stars). 2 submissions from 2 submitters: Uncertain significance (2). Last evaluated 2025-06-07.

Conditions:
Inborn genetic diseases. Identifiers: MedGen C0950123, MeSH D030342.

Allele frequency attached by ClinVar (database versions not stated): gnomAD 0.00009; gnomAD exomes 0.00001; TOPMed 0.00004.
gnomAD v4.1: 28 of 1,612,854 alleles (0.0017%); highest among the groups gnomAD compares: Admixed American, 0.038%; no homozygotes.

Submissions (2):

Ambry Genetics
Classification: Uncertain significance for Inborn genetic diseases. Last evaluated: 2025-06-07. Review status: criteria provided, single submitter. Criteria: Ambry Variant Classification Scheme 2023. Collection method: clinical testing. Allele origin: germline.

Labcorp Genetics (formerly Invitae), Labcorp
Classification: Uncertain significance. Last evaluated: 2022-05-20. Review status: criteria provided, single submitter. Criteria: Invitae Variant Classification Sherloc (09022015). Collection method: clinical testing. Allele origin: germline.
Comment: This sequence change replaces serine, which is neutral and polar, with asparagine, which is neutral and polar, at codon 34 of the DTNBP1 protein (p.Ser34Asn). This variant is present in population databases (rs760939582, gnomAD 0.02%). This variant has not been reported in the literature in individuals affected with DTNBP1-related conditions. Algorithms developed to predict the effect of missense changes on protein structure and function output the following: SIFT: "Tolerated"; PolyPhen-2: "Benign"; Align-GVGD: "Class C0". The asparagine amino acid residue is found in multiple mammalian species, which suggests that this missense change does not adversely affect protein function. In summary, the available evidence is currently insufficient to determine the role of this variant in disease. Therefore, it has been classified as a Variant of Uncertain Significance.

NM_032122.5(DTNBP1):c.101G>A (p.Ser34Asn)

Gene: DTNBP1 (dystrobrevin binding protein 1; minus strand). Cytogenetic location: 6p22.3.
Variant type: single nucleotide variant.
Coding change: c.101G>A on transcript NM_032122.5 (MANE Select); coding-DNA position 101, G replaced by A.
Protein change: p.Ser34Asn; replaces serine 34 with asparagine.
Molecular consequence: missense variant. On other transcripts: 5 prime UTR variant (1), non-coding transcript variant (1), intron variant (1).
Genome position (GRCh38, 1-based): chr6:15,652,096, C>T on the plus strand (G>A on the coding strand, the complement: DTNBP1 is on the minus strand). VCF-style: chr6-15652096-C-T. GRCh37 (hg19) VCF-style: chr6-15652327-C-T.
Other names: c.-188G>A (NM_001271667.2, NM_183041.1); c.101G>A, p.Ser34Asn (NM_001271668.2, NM_183040.2); c.56+10718G>A (NM_001271669.2); short protein forms S34N.
Identifiers: ClinVar variation 2421243 (VCV002421243.4), dbSNP rs760939582, ClinGen allele CA135267424.